The following is an entry in ClinVar:

ClinVar aggregate classification (germline): Conflicting classifications of pathogenicity. Review status: criteria provided, conflicting classifications (1 of 4 stars). 12 submissions from 12 submitters: Uncertain significance (1); Benign (9); Likely benign (2). Last evaluated 2026-08-01.

Conditions:
Familial sleep-related hypermotor epilepsy. Also called: Autosomal Dominant Sleep-Related Hypermotor (Hyperkinetic) Epilepsy. Identifiers: Orphanet 98784, MedGen C3696898, MONDO:0000030.
Inborn genetic diseases. Identifiers: MedGen C0950123, MeSH D030342.
Autosomal dominant nocturnal frontal lobe epilepsy 3. Also called: CHRNB2-Related Nocturnal Frontal Lobe Epilepsy, Autosomal Dominant. Identifiers: Orphanet 98784, MedGen C1854335, MONDO:0011545, OMIM 605375.

Allele frequency attached by ClinVar (database versions not stated): 1000 Genomes Project 0.00180; 1000 Genomes Project 30x 0.00187; ESP Exome Variant Server 0.00388; ExAC 0.00393; gnomAD exomes 0.00583 and 0.01209; gnomAD 0.00667 and 0.00688; TOPMed 0.00711.
gnomAD v4.1: 17,612 of 1,533,948 alleles (1.1%); highest among the groups gnomAD compares: Non-Finnish European, 1.4%; 121 homozygotes.

Submissions (12):

CeGaT Center for Human Genetics Tuebingen
Classification: Benign. Last evaluated: 2026-08-01. Review status: criteria provided, single submitter. Criteria: CeGaT Center For Human Genetics Tuebingen Variant Classification Criteria Version 2. Collection method: clinical testing. Allele origin: germline. Affected: yes. Observed: 38 variant alleles.
Comment: CHRNB2: BS1, BS2

Labcorp Genetics (formerly Invitae), Labcorp
Classification: Benign. Last evaluated: 2026-02-02. Review status: criteria provided, single submitter. Criteria: Invitae Variant Classification Sherloc (09022015). Collection method: clinical testing. Allele origin: germline.

ARUP Laboratories, Molecular Genetics and Genomics, ARUP Laboratories
Classification: Benign for Autosomal dominant nocturnal frontal lobe epilepsy 3. Last evaluated: 2025-04-16. Review status: criteria provided, single submitter. Criteria: ARUP Molecular Germline Variant Investigation Process 2024. Collection method: clinical testing. Allele origin: germline.

Blueprint Genetics
Classification: Benign. Last evaluated: 2024-11-25. Review status: criteria provided, single submitter. Criteria: ACMG Guidelines, 2015. Collection method: clinical testing. Allele origin: germline.

Mayo Clinic Laboratories, Mayo Clinic
Classification: Benign. Last evaluated: 2020-09-08. Review status: criteria provided, single submitter. Criteria: ACMG Guidelines, 2015. Collection method: clinical testing. Allele origin: germline. Observed: 4 variant alleles.

Athena Diagnostics
Classification: Benign. Last evaluated: 2017-11-09. Review status: criteria provided, single submitter. Criteria: Athena Diagnostics Criteria. Collection method: clinical testing. Allele origin: germline.

Ambry Genetics
Classification: Benign for Inborn genetic diseases. Last evaluated: 2017-05-28. Review status: criteria provided, single submitter. Criteria: Ambry Variant Classification Scheme 2023. Collection method: clinical testing. Allele origin: germline.

Center for Pediatric Genomic Medicine, Children's Mercy Hospital and Clinics
Classification: Likely benign. Last evaluated: 2016-12-01. Review status: criteria provided, single submitter. Criteria: ACMG Guidelines, 2015. Collection method: clinical testing. Allele origin: germline.
ClinVar note: Converted during submission from Likely Benign to Likely benign.

GeneDx
Classification: Benign. Last evaluated: 2016-07-07. Review status: criteria provided, single submitter. Criteria: GeneDx Variant Classification (06012015). Collection method: clinical testing. Allele origin: germline. Affected: yes.
Comment: This variant is considered likely benign or benign based on one or more of the following criteria: it is a conservative change, it occurs at a poorly conserved position in the protein, it is predicted to be benign by multiple in silico algorithms, and/or has population frequency not consistent with disease.

Eurofins Ntd Llc (ga)
Classification: Likely benign. Last evaluated: 2015-05-14. Review status: criteria provided, single submitter. Criteria: EGL Classification Definitions 2015. Collection method: clinical testing. Allele origin: germline. Observed: 4 variant alleles, 4 heterozygotes.

Genetic Services Laboratory, University of Chicago
Classification: Uncertain significance for Epilepsy, nocturnal frontal lobe, 3. Last evaluated: 2014-01-15. Review status: criteria provided, single submitter. Criteria: ACMG Guidelines, 2007. Collection method: clinical testing. Allele origin: germline. Inheritance: Autosomal dominant inheritance.

PreventionGenetics, part of Exact Sciences
Classification: Benign. Review status: criteria provided, single submitter. Criteria: ACMG Guidelines, 2015. Collection method: clinical testing. Allele origin: germline.

Literature cited by the submitters: PubMed 11906688 (cited by Athena Diagnostics); PubMed 20736995 (cited by Athena Diagnostics).

NM_000748.3(CHRNB2):c.1191G>C (p.Gln397His)

Gene: CHRNB2 (cholinergic receptor nicotinic beta 2 subunit; plus strand). Cytogenetic location: 1q21.3.
Variant type: single nucleotide variant.
Coding change: c.1191G>C on transcript NM_000748.3 (MANE Select); coding-DNA position 1191, G replaced by C.
Protein change: p.Gln397His; replaces glutamine 397 with histidine.
Molecular consequence: missense variant.
Genome position (GRCh38, 1-based): chr1:154,572,014, G>C. VCF-style: chr1-154572014-G-C. GRCh37 (hg19) VCF-style: chr1-154544490-G-C.
Other names: p.Q397H:CAG>CAC; short protein forms Q397H.
Identifiers: ClinVar variation 158330 (VCV000158330.59), dbSNP rs55685423, ClinGen allele CA271352.